The following is an entry in ClinVar:

NM_000702.4(ATP1A2):c.2500C>G (p.Arg834Gly)

Gene: ATP1A2 (ATPase Na+/K+ transporting subunit alpha 2; plus strand). Cytogenetic location: 1q23.2.
Variant type: single nucleotide variant.
Coding change: c.2500C>G on transcript NM_000702.4 (MANE Select); coding-DNA position 2500, C replaced by G.
Protein change: p.Arg834Gly; replaces arginine 834 with glycine.
Molecular consequence: missense variant.
Genome position (GRCh38, 1-based): chr1:160,136,307, C>G. VCF-style: chr1-160136307-C-G. GRCh37 (hg19) VCF-style: chr1-160106097-C-G.
Other names: short protein forms R834G.
Identifiers: ClinVar variation 1042765 (VCV001042765.8), dbSNP rs755310507, ClinGen allele CA343251443.

ClinVar aggregate classification (germline): Uncertain significance (1 of 4 stars; one submission).

Conditions:
Familial hemiplegic migraine. Identifiers: MedGen C0338484, MONDO:0000700.

Submission:

Labcorp Genetics (formerly Invitae), Labcorp
Classification: Uncertain significance for Familial hemiplegic migraine. Last evaluated: 2020-06-12. Review status: criteria provided, single submitter. Criteria: Invitae Variant Classification Sherloc (09022015). Collection method: clinical testing. Allele origin: germline.
Comment: In summary, the available evidence is currently insufficient to determine the role of this variant in disease. Therefore, it has been classified as a Variant of Uncertain Significance. This variant disrupts the p.Arg834 amino acid residue in ATP1A2. Other variant(s) that disrupt this residue have been determined to be pathogenic (PMID: 16088919, 18728015, 22117059, 24704353). This suggests that this residue is clinically significant, and that variants that disrupt this residue are likely to be disease-causing. Algorithms developed to predict the effect of missense changes on protein structure and function (SIFT, PolyPhen-2, Align-GVGD) all suggest that this variant is likely to be disruptive, but these predictions have not been confirmed by published functional studies and their clinical significance is uncertain. This variant has been observed in individual(s) with familial hemiplegic migraine (Invitae). This variant is not present in population databases (ExAC no frequency). This sequence change replaces arginine with glycine at codon 834 of the ATP1A2 protein (p.Arg834Gly). The arginine residue is highly conserved and there is a moderate physicochemical difference between arginine and glycine.

Literature cited by the submitters: PubMed 16088919; PubMed 18728015; PubMed 22117059; PubMed 24704353.